The following is an entry in ClinVar:

NM_000098.3(CPT2):c.1642A>G (p.Met548Val)

Gene: CPT2 (carnitine palmitoyltransferase 2; plus strand). Cytogenetic location: 1p32.3.
Variant type: single nucleotide variant.
Coding change: c.1642A>G on transcript NM_000098.3 (MANE Select); coding-DNA position 1642, A replaced by G.
Protein change: p.Met548Val; replaces methionine 548 with valine.
Molecular consequence: missense variant. On other transcripts: intron variant (1).
Genome position (GRCh38, 1-based): chr1:53,211,316, A>G. VCF-style: chr1-53211316-A-G. GRCh37 (hg19) VCF-style: chr1-53676988-A-G.
Other names: c.1576+66A>G (NM_001330589.2); short protein forms M548V.
Identifiers: ClinVar variation 1519117 (VCV001519117.5), dbSNP rs1429653482, ClinGen allele CA340397153.

ClinVar aggregate classification (germline): Uncertain significance (1 of 4 stars; one submission).

Conditions:
Carnitine palmitoyltransferase II deficiency. Also called: Carnitine Palmitoyltransferase 2 Deficiency. Identifiers: Orphanet 157, MedGen C0342790, MONDO:0015515.

Allele frequency attached by ClinVar (database versions not stated): gnomAD exomes below 0.00001; TOPMed below 0.00001; gnomAD 0.00001.
gnomAD v4.1: 6 of 1,601,714 alleles (0.00037%); highest among the groups gnomAD compares: African/African-American, 0.0027%; no homozygotes.

Submission:

Labcorp Genetics (formerly Invitae), Labcorp
Classification: Uncertain significance for Carnitine palmitoyltransferase II deficiency. Last evaluated: 2022-02-04. Review status: criteria provided, single submitter. Criteria: Invitae Variant Classification Sherloc (09022015). Collection method: clinical testing. Allele origin: germline.
Comment: This sequence change replaces methionine, which is neutral and non-polar, with valine, which is neutral and non-polar, at codon 548 of the CPT2 protein (p.Met548Val). The frequency data for this variant in the population databases is considered unreliable, as metrics indicate poor data quality at this position in the gnomAD database. This variant has not been reported in the literature in individuals affected with CPT2-related conditions. Advanced modeling of protein sequence and biophysical properties (such as structural, functional, and spatial information, amino acid conservation, physicochemical variation, residue mobility, and thermodynamic stability) performed at Invitae indicates that this missense variant is not expected to disrupt CPT2 protein function. Algorithms developed to predict the effect of sequence changes on RNA splicing suggest that this variant may create or strengthen a splice site. In summary, the available evidence is currently insufficient to determine the role of this variant in disease. Therefore, it has been classified as a Variant of Uncertain Significance.